The following is an entry in ClinVar:

ClinVar aggregate classification (germline): Uncertain significance. Review status: criteria provided, multiple submitters, no conflicts (2 of 4 stars). 2 submissions from 2 submitters: Uncertain significance (2). Last evaluated 2025-11-17.

Conditions:
Hereditary cancer-predisposing syndrome. Also called: Neoplastic Syndromes, Hereditary; Tumor predisposition; Hereditary Cancer Syndrome; Hereditary neoplastic syndrome. Identifiers: Orphanet 140162, MedGen C0027672, MeSH D009386, MONDO:0015356.
Neuroblastoma, susceptibility to, 3. Also called: ALK-Related Neuroblastic Tumor Susceptibility. Identifiers: Orphanet 635, MedGen C2751681, MONDO:0013083, OMIM 613014.

Allele frequency attached by ClinVar (database versions not stated): gnomAD exomes below 0.00001 and 0.00001; gnomAD 0.00001.
gnomAD v4.1: 2 of 1,613,992 alleles (0.00012%); highest among the groups gnomAD compares: Admixed American, 0.0017%; no homozygotes.

Submissions (2):

Ambry Genetics
Classification: Uncertain significance for Hereditary cancer-predisposing syndrome. Last evaluated: 2025-11-17. Review status: criteria provided, single submitter. Criteria: Ambry Variant Classification Scheme 2023. Collection method: clinical testing. Allele origin: germline.
Comment: The p.G1474E variant (also known as c.4421G>A), located in coding exon 29 of the ALK gene, results from a G to A substitution at nucleotide position 4421. The glycine at codon 1474 is replaced by glutamic acid, an amino acid with similar properties. This amino acid position is conserved. In addition, this alteration is predicted to be deleterious by in silico analysis. Since supporting evidence is limited at this time, the clinical significance of this alteration remains unclear.

Labcorp Genetics (formerly Invitae), Labcorp
Classification: Uncertain significance for Neuroblastoma, susceptibility to, 3. Last evaluated: 2024-05-01. Review status: criteria provided, single submitter. Criteria: Invitae Variant Classification Sherloc (09022015). Collection method: clinical testing. Allele origin: germline.
Comment: This sequence change replaces glycine, which is neutral and non-polar, with glutamic acid, which is acidic and polar, at codon 1474 of the ALK protein (p.Gly1474Glu). This variant is present in population databases (no rsID available, gnomAD 0.003%). This variant has not been reported in the literature in individuals affected with ALK-related conditions. ClinVar contains an entry for this variant (Variation ID: 538239). An algorithm developed to predict the effect of missense changes on protein structure and function (PolyPhen-2) suggests that this variant is likely to be disruptive. In summary, the available evidence is currently insufficient to determine the role of this variant in disease. Therefore, it has been classified as a Variant of Uncertain Significance.

NM_004304.5(ALK):c.4421G>A (p.Gly1474Glu)

Gene: ALK (ALK receptor tyrosine kinase; minus strand). Cytogenetic location: 2p23.2.
Variant type: single nucleotide variant.
Coding change: c.4421G>A on transcript NM_004304.5 (MANE Select); coding-DNA position 4421, G replaced by A.
Protein change: p.Gly1474Glu; replaces glycine 1474 with glutamic acid.
Molecular consequence: missense variant.
Genome position (GRCh38, 1-based): chr2:29,193,666, C>T on the plus strand (G>A on the coding strand, the complement: ALK is on the minus strand). VCF-style: chr2-29193666-C-T. GRCh37 (hg19) VCF-style: chr2-29416532-C-T.
Other names: c.1217G>A, p.Gly406Glu (NM_001353765.2); short protein forms G1474E, G406E.
Identifiers: ClinVar variation 538239 (VCV000538239.10), dbSNP rs1293939080, ClinGen allele CA346462155.